The following is an entry in ClinVar:

ClinVar aggregate classification (germline): Likely benign. Review status: criteria provided, multiple submitters, no conflicts (2 of 4 stars). 3 submissions from 3 submitters: Likely benign (3). Last evaluated 2023-11-20.

Conditions:
Cardiomyopathy (CMYO). Also called: Cardiomyopathies. Identifiers: Orphanet 167848, MedGen C0878544, MONDO:0004994, HP:0001638. Inheritance: Various modes of inheritance.
Arrhythmogenic cardiomyopathy with wooly hair and keratoderma. Also called: PALMOPLANTAR KERATODERMA WITH LEFT VENTRICULAR CARDIOMYOPATHY AND WOOLLY HAIR; Carvajal syndrome; Dilated cardiomyopathy with woolly hair and keratoderma; Arrhythmogenic cardiomyopathy with woolly hair and keratoderma. Identifiers: Orphanet 65282, MedGen C1854063, MONDO:0011581, OMIM 605676.
Cardiovascular phenotype. Identifiers: MedGen CN230736.

Allele frequency attached by ClinVar (database versions not stated): gnomAD exomes below 0.00001; gnomAD 0.00001.
gnomAD v4.1: 4 of 1,614,110 alleles (0.00025%); highest among the groups gnomAD compares: Non-Finnish European, 0.00034%; no homozygotes.

Submissions (3):

All of Us Research Program, National Institutes of Health
Classification: Likely benign for Arrhythmogenic cardiomyopathy with wooly hair and keratoderma. Last evaluated: 2023-11-20. Review status: criteria provided, single submitter. Criteria: ACMG Guidelines, 2015. Collection method: clinical testing. Allele origin: germline. Inheritance: Autosomal dominant inheritance. Observed: 1 variant allele, 1 heterozygote.
Comment: This study involves interpretation of variants in research participants for the purpose of population health screening. Participant phenotype was not available at the time of variant classification. Additional details can be found in publication PMID: 35346344, PMCID: PMC8962531

Ambry Genetics
Classification: Likely benign for Cardiovascular phenotype. Last evaluated: 2018-12-07. Review status: criteria provided, single submitter. Criteria: Ambry Variant Classification Scheme 2023. Collection method: clinical testing. Allele origin: germline.

Color Diagnostics, LLC DBA Color Health
Classification: Likely benign for Cardiomyopathy. Last evaluated: 2018-11-30. Review status: criteria provided, single submitter. Criteria: ACMG Guidelines, 2015. Collection method: clinical testing. Allele origin: germline.

NM_004415.4(DSP):c.7530A>G (p.Gly2510=)

Gene: DSP (desmoplakin; plus strand). Cytogenetic location: 6p24.3.
Variant type: single nucleotide variant.
Coding change: c.7530A>G on transcript NM_004415.4 (MANE Select); coding-DNA position 7530, A replaced by G.
Protein change: p.Gly2510=; no amino-acid change (glycine 2510 retained).
Molecular consequence: synonymous variant.
Genome position (GRCh38, 1-based): chr6:7,584,792, A>G. VCF-style: chr6-7584792-A-G. GRCh37 (hg19) VCF-style: chr6-7585025-A-G.
Other names: c.5733A>G, p.Gly1911= (NM_001008844.3); c.6201A>G, p.Gly2067= (NM_001319034.2).
Identifiers: ClinVar variation 922487 (VCV000922487.5), dbSNP rs1364525049, ClinGen allele CA448716347.